The following is an entry in ClinVar:

ClinVar aggregate classification (germline): Uncertain significance. Review status: criteria provided, multiple submitters, no conflicts (2 of 4 stars). 2 submissions from 2 submitters: Uncertain significance (2). Last evaluated 2025-08-10.

Conditions:
Inborn genetic diseases. Identifiers: MedGen C0950123, MeSH D030342.
Autosomal recessive limb-girdle muscular dystrophy type 2P. Also called: MUSCULAR DYSTROPHY-DYSTROGLYCANOPATHY, LIMB-GIRDLE, DAG1-RELATED; Limb-Girdle Muscular Dystrophy Type 9C; MUSCULAR DYSTROPHY, LIMB-GIRDLE, TYPE 2P. Identifiers: Orphanet 280333, MedGen C4511963, MONDO:0013440, OMIM 613818.
Muscular dystrophy-dystroglycanopathy (congenital with brain and eye anomalies), type A9. Also called: WALKER-WARBURG SYNDROME OR MUSCLE-EYE BRAIN DISEASE, DAG1-RELATED; Muscular dystrophy-dystroglycanopathy (congenital with brain and eye anomalies), type a, 9. Identifiers: Orphanet 370997, Orphanet 899, MedGen C4225291, MONDO:0014683, OMIM 616538.

gnomAD v4.1: 4 of 1,613,776 alleles (0.00025%); highest among the groups gnomAD compares: African/African-American, 0.0013%; no homozygotes.

Submissions (2):

Ambry Genetics
Classification: Uncertain significance for Inborn genetic diseases. Last evaluated: 2025-08-10. Review status: criteria provided, single submitter. Criteria: Ambry Variant Classification Scheme 2023. Collection method: clinical testing. Allele origin: germline.

Labcorp Genetics (formerly Invitae), Labcorp
Classification: Uncertain significance for Autosomal recessive limb-girdle muscular dystrophy type 2P; Muscular dystrophy-dystroglycanopathy (congenital with brain and eye anomalies), type A9. Last evaluated: 2022-02-28. Review status: criteria provided, single submitter. Criteria: Invitae Variant Classification Sherloc (09022015). Collection method: clinical testing. Allele origin: germline.
Comment: In summary, the available evidence is currently insufficient to determine the role of this variant in disease. Therefore, it has been classified as a Variant of Uncertain Significance. Algorithms developed to predict the effect of missense changes on protein structure and function are either unavailable or do not agree on the potential impact of this missense change (SIFT: "Tolerated"; PolyPhen-2: "Possibly Damaging"; Align-GVGD: "Class C0"). This variant has not been reported in the literature in individuals affected with DAG1-related conditions. This variant is present in population databases (no rsID available, gnomAD no frequency). This sequence change replaces isoleucine, which is neutral and non-polar, with threonine, which is neutral and polar, at codon 324 of the DAG1 protein (p.Ile324Thr).

NM_004393.6(DAG1):c.971T>C (p.Ile324Thr)

Gene: DAG1 (dystroglycan 1; plus strand). Cytogenetic location: 3p21.31.
Variant type: single nucleotide variant.
Coding change: c.971T>C on transcript NM_004393.6 (MANE Select); coding-DNA position 971, T replaced by C.
Protein change: p.Ile324Thr; replaces isoleucine 324 with threonine.
Molecular consequence: missense variant.
Genome position (GRCh38, 1-based): chr3:49,531,482, T>C. VCF-style: chr3-49531482-T-C. GRCh37 (hg19) VCF-style: chr3-49568915-T-C.
Other names: c.971T>C, p.Ile324Thr (NM_001165928.4, NM_001177634.3, NM_001177635.3 and 9 more transcripts); c.971T>C (NM_004393.4); short protein forms I324T.
Identifiers: ClinVar variation 2417063 (VCV002417063.8), dbSNP rs745449164, ClinGen allele CA352794470.